The following is an entry in ClinVar:

ClinVar aggregate classification (germline): Uncertain significance (1 of 4 stars; one submission).

Conditions:
Charcot-Marie-Tooth disease, type I (CMT1). Also called: Charcot-Marie-Tooth, Type 1; Charcot-Marie-Tooth disease type 1. Identifiers: Orphanet 65753, MedGen C0751036, MONDO:0019011.

Submission:

Labcorp Genetics (formerly Invitae), Labcorp
Classification: Uncertain significance for Charcot-Marie-Tooth disease, type I. Last evaluated: 2019-05-12. Review status: criteria provided, single submitter. Criteria: Invitae Variant Classification Sherloc (09022015). Collection method: clinical testing. Allele origin: germline.
Comment: This sequence change replaces isoleucine with threonine at codon 25 of the EGR2 protein (p.Ile25Thr). The isoleucine residue is weakly conserved and there is a moderate physicochemical difference between isoleucine and threonine. In summary, the available evidence is currently insufficient to determine the role of this variant in disease. Therefore, it has been classified as a Variant of Uncertain Significance. Algorithms developed to predict the effect of missense changes on protein structure and function are either unavailable or do not agree on the potential impact of this missense change (SIFT: "Not Available"; PolyPhen-2: "Benign"; Align-GVGD: "Not Available"). This variant has not been reported in the literature in individuals with EGR2-related conditions. This variant is not present in population databases (ExAC no frequency).

NM_000399.5(EGR2):c.74T>C (p.Ile25Thr)

Gene: EGR2 (early growth response 2; minus strand). Cytogenetic location: 10q21.3.
Variant type: single nucleotide variant.
Coding change: c.74T>C on transcript NM_000399.5 (MANE Select); coding-DNA position 74, T replaced by C.
Protein change: p.Ile25Thr; replaces isoleucine 25 with threonine.
Molecular consequence: missense variant. On other transcripts: 5 prime UTR variant (2).
Genome position (GRCh38, 1-based): chr10:62,815,956, A>G on the plus strand (T>C on the coding strand, the complement: EGR2 is on the minus strand). VCF-style: chr10-62815956-A-G. GRCh37 (hg19) VCF-style: chr10-64575716-A-G.
Other names: c.74T>C, p.Ile25Thr (NM_001136177.3, NM_001136178.2); c.-77T>C (NM_001136179.3, NM_001321037.2); short protein forms I25T.
Identifiers: ClinVar variation 939967 (VCV000939967.8), dbSNP rs763131472, ClinGen allele CA377034365.